The following is an entry in ClinVar:

NM_023110.3(FGFR1):c.2407G>A (p.Glu803Lys)

Gene: FGFR1 (fibroblast growth factor receptor 1; minus strand). Cytogenetic location: 8p11.23.
Variant type: single nucleotide variant.
Coding change: c.2407G>A on transcript NM_023110.3 (MANE Select); coding-DNA position 2407, G replaced by A.
Protein change: p.Glu803Lys; replaces glutamic acid 803 with lysine.
Molecular consequence: missense variant. On other transcripts: intron variant (3).
Genome position (GRCh38, 1-based): chr8:38,413,690, C>T on the plus strand (G>A on the coding strand, the complement: FGFR1 is on the minus strand). VCF-style: chr8-38413690-C-T. GRCh37 (hg19) VCF-style: chr8-38271208-C-T.
Other names: c.2407G>A, p.Glu803Lys (NM_000604.2); c.2401G>A, p.Glu801Lys (NM_001174063.2, NM_001174065.2, NM_015850.4); c.2377G>A, p.Glu793Lys (NM_001174064.2); c.2140G>A, p.Glu714Lys (NM_001174066.2, NM_023105.3); c.2500G>A, p.Glu834Lys (NM_001174067.2); c.2128G>A, p.Glu710Lys (NM_001354368.2); c.2395G>A, p.Glu799Lys (NM_001410922.1); c.2134G>A, p.Glu712Lys (NM_023106.3); and 3 more; short protein forms E714K, E834K, E799K, E803K, E712K, E793K, E801K, E710K.
Identifiers: ClinVar variation 2926752 (VCV002926752.4), dbSNP rs765900637, ClinGen allele CA175137665.

ClinVar aggregate classification (germline): Uncertain significance. Review status: criteria provided, multiple submitters, no conflicts (2 of 4 stars). 2 submissions from 2 submitters: Uncertain significance (2). Last evaluated 2024-05-06.

Conditions:
Hypogonadotropic hypogonadism 2 with or without anosmia (HH2). Also called: HYPOGONADOTROPIC HYPOGONADISM 2 WITH OR WITHOUT ANOSMIA, SUSCEPTIBILITY TO; HYPOGONADOTROPIC HYPOGONADISM 2 WITHOUT ANOSMIA, SUSCEPTIBILITY TO; FGFR1-Related GnRH Deficiency (Kallmann Syndrome 2); HYPOGONADOTROPIC HYPOGONADISM 2 WITHOUT ANOSMIA. Identifiers: Orphanet 478, MedGen C1563720, MONDO:0007844, OMIM 147950. Disease mechanism: loss of function.
Pfeiffer syndrome (ACS5). Also called: ACS V. Identifiers: Orphanet 710, MedGen C0220658, MONDO:0007043, OMIM 101600.
Jackson-Weiss syndrome (JWS). Also called: CRANIOSYNOSTOSIS, MIDFACIAL HYPOPLASIA, AND FOOT ABNORMALITIES. Identifiers: Orphanet 1540, MedGen C0795998, MONDO:0007400, OMIM 123150. Disease mechanism: loss of function.
Encephalocraniocutaneous lipomatosis (ECCL). Identifiers: Orphanet 2396, MedGen C0406612, MONDO:0013074, OMIM 613001.
Trigonocephaly 1 (TRIGNO1). Identifiers: Orphanet 3366, MedGen C0432122, MONDO:0008603, OMIM 190440.
Hartsfield-Bixler-Demyer syndrome (HRTFDS). Also called: Holoprosencephaly, ectrodactyly, and bilateral cleft lip/palate; Hartsfield syndrome; FGFR1-Related Hartsfield Syndrome. Identifiers: Orphanet 2117, MedGen C1845146, MONDO:0014196, OMIM 615465. Disease mechanism: loss of function.
Osteoglophonic dysplasia (OGD). Also called: Osteoglophonic dwarfism. Identifiers: Orphanet 2645, MedGen C0432283, MONDO:0008150, OMIM 166250.

Allele frequency attached by ClinVar (database versions not stated): gnomAD 0.00001; gnomAD exomes 0.00002; TOPMed 0.00002.
gnomAD v4.1: 31 of 1,613,342 alleles (0.0019%); highest among the groups gnomAD compares: South Asian, 0.011%; no homozygotes.

Submissions (2):

Fulgent Genetics
Classification: Uncertain significance for Pfeiffer syndrome; Jackson-Weiss syndrome; Hypogonadotropic hypogonadism 2 with or without anosmia; Osteoglophonic dysplasia; Trigonocephaly 1; Encephalocraniocutaneous lipomatosis; Hartsfield-Bixler-Demyer syndrome. Last evaluated: 2024-05-06. Review status: criteria provided, single submitter. Criteria: ACMG Guidelines, 2015. Collection method: clinical testing. Allele origin: germline.

Labcorp Genetics (formerly Invitae), Labcorp
Classification: Uncertain significance for Pfeiffer syndrome; Hypogonadotropic hypogonadism 2 with or without anosmia. Last evaluated: 2024-03-04. Review status: criteria provided, single submitter. Criteria: Invitae Variant Classification Sherloc (09022015). Collection method: clinical testing. Allele origin: germline.
Comment: This sequence change replaces glutamic acid, which is acidic and polar, with lysine, which is basic and polar, at codon 803 of the FGFR1 protein (p.Glu803Lys). This variant is present in population databases (no rsID available, gnomAD 0.02%). This variant has not been reported in the literature in individuals affected with FGFR1-related conditions. Advanced modeling of protein sequence and biophysical properties (such as structural, functional, and spatial information, amino acid conservation, physicochemical variation, residue mobility, and thermodynamic stability) has been performed at Invitae for this missense variant, however the output from this modeling did not meet the statistical confidence thresholds required to predict the impact of this variant on FGFR1 protein function. In summary, the available evidence is currently insufficient to determine the role of this variant in disease. Therefore, it has been classified as a Variant of Uncertain Significance.